The following is an entry in ClinVar:

NM_001170629.2(CHD8):c.3307+86T>C

Gene: CHD8 (chromodomain helicase DNA binding protein 8; minus strand). Cytogenetic location: 14q11.2.
Variant type: single nucleotide variant.
Coding change: c.3307+86T>C on transcript NM_001170629.2 (MANE Select); 86 bases into the intron after coding-DNA position 3307, T replaced by C.
Molecular consequence: intron variant.
Genome position (GRCh38, 1-based): chr14:21,405,123, A>G on the plus strand (T>C on the coding strand, the complement: CHD8 is on the minus strand). VCF-style: chr14-21405123-A-G. GRCh37 (hg19) VCF-style: chr14-21873282-A-G.
Other names: c.2470+86T>C (NM_020920.4).
Identifiers: ClinVar variation 1215438 (VCV001215438.33), dbSNP rs116904182, ClinGen allele CA257603986.

ClinVar aggregate classification (germline): Benign/Likely benign. Review status: criteria provided, multiple submitters, no conflicts (2 of 4 stars). 3 submissions from 3 submitters: Benign (1); Likely benign (2). Last evaluated 2023-04-01.

Allele frequency attached by ClinVar (database versions not stated): 1000 Genomes Project 30x 0.00500; 1000 Genomes Project 0.00519; TOPMed 0.00830; gnomAD 0.00996 and 0.01023; gnomAD exomes 0.01254.
gnomAD v4.1: 16,698 of 1,374,384 alleles (1.2%); highest among the groups gnomAD compares: Non-Finnish European, 1.4%; 132 homozygotes.

Submissions (3):

CeGaT Center for Human Genetics Tuebingen
Classification: Benign. Last evaluated: 2023-04-01. Review status: criteria provided, single submitter. Criteria: CeGaT Center For Human Genetics Tuebingen Variant Classification Criteria Version 2. Collection method: clinical testing. Allele origin: germline. Affected: yes. Observed: 9 variant alleles.
Comment: CHD8: BS1, BS2

GeneDx
Classification: Likely benign. Last evaluated: 2018-07-21. Review status: criteria provided, single submitter. Criteria: GeneDx Variant Classification Process June 2021. Collection method: clinical testing. Allele origin: germline. Affected: yes.

Breakthrough Genomics
Classification: Likely benign. Review status: criteria provided, single submitter. Criteria: ACMG Guidelines, 2015. Collection method: not provided. Allele origin: germline. Inheritance: Autosomal dominant inheritance. Affected: yes.